The following is an entry in ClinVar:

ClinVar aggregate classification (germline): Uncertain significance (1 of 4 stars; one submission).

gnomAD v4.1: 1 of 1,581,156 alleles (0.000063%); highest among the groups gnomAD compares: Non-Finnish European, 0.000086%; no homozygotes.

Submission:

Labcorp Genetics (formerly Invitae), Labcorp
Classification: Uncertain significance. Last evaluated: 2023-05-16. Review status: criteria provided, single submitter. Criteria: Invitae Variant Classification Sherloc (09022015). Collection method: clinical testing. Allele origin: germline.
Comment: In summary, the available evidence is currently insufficient to determine the role of this variant in disease. Therefore, it has been classified as a Variant of Uncertain Significance. Advanced modeling of protein sequence and biophysical properties (such as structural, functional, and spatial information, amino acid conservation, physicochemical variation, residue mobility, and thermodynamic stability) performed at Invitae indicates that this missense variant is not expected to disrupt COL9A2 protein function. This variant has not been reported in the literature in individuals affected with COL9A2-related conditions. This variant is not present in population databases (gnomAD no frequency). This sequence change replaces alanine, which is neutral and non-polar, with proline, which is neutral and non-polar, at codon 4 of the COL9A2 protein (p.Ala4Pro).

NM_001852.4(COL9A2):c.10G>C (p.Ala4Pro)

Gene: COL9A2 (collagen type IX alpha 2 chain; minus strand). Cytogenetic location: 1p34.2.
Variant type: single nucleotide variant.
Coding change: c.10G>C on transcript NM_001852.4 (MANE Select); coding-DNA position 10, G replaced by C.
Protein change: p.Ala4Pro; replaces alanine 4 with proline.
Molecular consequence: missense variant.
Genome position (GRCh38, 1-based): chr1:40,317,188, C>G on the plus strand (G>C on the coding strand, the complement: COL9A2 is on the minus strand). VCF-style: chr1-40317188-C-G. GRCh37 (hg19) VCF-style: chr1-40782860-C-G.
Other names: short protein forms A4P.
Identifiers: ClinVar variation 2811573 (VCV002811573.3), dbSNP rs201243011, ClinGen allele CA339861058.